The following is an entry in ClinVar:

NM_173076.3(ABCA12):c.3889C>T (p.Arg1297Ter)

Gene: ABCA12 (ATP binding cassette subfamily A member 12; minus strand). Cytogenetic location: 2q35.
Variant type: single nucleotide variant.
Coding change: c.3889C>T on transcript NM_173076.3 (MANE Select); coding-DNA position 3889, C replaced by T.
Protein change: p.Arg1297Ter; replaces arginine 1297 with a stop codon.
Molecular consequence: nonsense. On other transcripts: non-coding transcript variant (1).
Genome position (GRCh38, 1-based): chr2:214,987,734, G>A on the plus strand (C>T on the coding strand, the complement: ABCA12 is on the minus strand). VCF-style: chr2-214987734-G-A. GRCh37 (hg19) VCF-style: chr2-215852458-G-A.
Other names: c.2935C>T, p.Arg979Ter (NM_015657.4); short protein forms R1297*, R979*.
Identifiers: ClinVar variation 265005 (VCV000265005.4), dbSNP rs114863111, ClinGen allele CA2091600.

ClinVar aggregate classification (germline): Pathogenic. Review status: criteria provided, multiple submitters, no conflicts (2 of 4 stars). 2 submissions from 2 submitters: Pathogenic (2). Last evaluated 2024-03-26.

Conditions:
Autosomal recessive congenital ichthyosis 4B (ARCI4B). Also called: ICHTHYOSIS CONGENITA, HARLEQUIN FETUS TYPE; Harlequin Fetus; Ichthyosis, congenital, autosomal recessive 4B (harlequin); HARLEQUIN ICHTHYOSIS. Identifiers: Orphanet 457, MedGen C0598226, MONDO:0009443, OMIM 242500.

Allele frequency attached by ClinVar (database versions not stated): ExAC 0.00001; gnomAD exomes 0.00001; 1000 Genomes Project 30x 0.00016; 1000 Genomes Project 0.00020.
gnomAD v4.1: 14 of 1,613,918 alleles (0.00087%); highest among the groups gnomAD compares: East Asian, 0.0022%; no homozygotes.

Submissions (2):

Genomic Medicine Center of Excellence, King Faisal Specialist Hospital and Research Centre
Classification: Pathogenic for Autosomal recessive congenital ichthyosis 4B. Last evaluated: 2024-03-26. Review status: criteria provided, single submitter. Criteria: ACMG Guidelines, 2015. Collection method: clinical testing. Allele origin: germline.

GeneDx
Classification: Pathogenic. Last evaluated: 2023-04-20. Review status: criteria provided, single submitter. Criteria: GeneDx Variant Classification Process June 2021. Collection method: clinical testing. Allele origin: germline. Affected: yes.
Comment: Observed with a pathogenic variant on the opposite allele (in trans) in unrelated patients with Harlequin ichthyosis referred for genetic testing at GeneDx and reported in the published literature (Thomas et al., 2006); Nonsense variant predicted to result in protein truncation or nonsense mediated decay in a gene for which loss of function is a known mechanism of disease; Not observed at significant frequency in large population cohorts (gnomAD); This variant is associated with the following publications: (PMID: 22344438, 25525159, 20981092, 16902423)